The following is an entry in ClinVar:

NM_000489.6(ATRX):c.3357A>C (p.Glu1119Asp)

Gene: ATRX (ATRX chromatin remodeler; minus strand). Cytogenetic location: Xq21.1.
Variant type: single nucleotide variant.
Coding change: c.3357A>C on transcript NM_000489.6 (MANE Select); coding-DNA position 3357, A replaced by C.
Protein change: p.Glu1119Asp; replaces glutamic acid 1119 with aspartic acid.
Molecular consequence: missense variant.
Genome position (GRCh38, 1-based): chrX:77,681,899, T>G on the plus strand (A>C on the coding strand, the complement: ATRX is on the minus strand). VCF-style: chrX-77681899-T-G. GRCh37 (hg19) VCF-style: chrX-76937391-T-G.
Other names: c.3243A>C, p.Glu1081Asp (NM_138270.5); short protein forms E1081D, E1119D.
Identifiers: ClinVar variation 2749448 (VCV002749448.4), dbSNP rs2148575356, ClinGen allele CA413706738.

ClinVar aggregate classification (germline): Uncertain significance. Review status: criteria provided, multiple submitters, no conflicts (2 of 4 stars). 2 submissions from 2 submitters: Uncertain significance (2). Last evaluated 2024-04-04.

Conditions:
Alpha thalassemia-X-linked intellectual disability syndrome (ATRX). Also called: ALPHA-THALASSEMIA/MENTAL RETARDATION SYNDROME, X-LINKED; ATR, NONDELETION TYPE; ATR-X syndrome; Alpha thalassemia mental retardation syndrome, nondeletion type, X-linked; XLMR hypotonic face syndrome; X-linked alpha-thalassemia-mental retardation syndrome. Identifiers: Orphanet 847, MedGen C1845055, MONDO:0010519, OMIM 301040.

Submissions (2):

Genomic Medicine Center of Excellence, King Faisal Specialist Hospital and Research Centre
Classification: Uncertain significance for Alpha thalassemia-X-linked intellectual disability syndrome. Last evaluated: 2024-04-04. Review status: criteria provided, single submitter. Criteria: ACMG Guidelines, 2015. Collection method: clinical testing. Allele origin: germline.

Labcorp Genetics (formerly Invitae), Labcorp
Classification: Uncertain significance for Alpha thalassemia-X-linked intellectual disability syndrome. Last evaluated: 2023-08-02. Review status: criteria provided, single submitter. Criteria: Invitae Variant Classification Sherloc (09022015). Collection method: clinical testing. Allele origin: germline.
Comment: Advanced modeling of protein sequence and biophysical properties (such as structural, functional, and spatial information, amino acid conservation, physicochemical variation, residue mobility, and thermodynamic stability) performed at Invitae indicates that this missense variant is not expected to disrupt ATRX protein function. In summary, the available evidence is currently insufficient to determine the role of this variant in disease. Therefore, it has been classified as a Variant of Uncertain Significance. This variant has not been reported in the literature in individuals affected with ATRX-related conditions. This sequence change replaces glutamic acid, which is acidic and polar, with aspartic acid, which is acidic and polar, at codon 1119 of the ATRX protein (p.Glu1119Asp). This variant is not present in population databases (gnomAD no frequency).